The following is an entry in ClinVar:

NM_000051.4(ATM):c.4098_4099del (p.Cys1366_Asp1367delinsTer)

Gene: ATM (ATM serine/threonine kinase; plus strand). Cytogenetic location: 11q22.3.
Variant type: Microsatellite.
Coding change: c.4098_4099del on transcript NM_000051.4 (MANE Select); coding-DNA positions 4098 to 4099, 2 bases deleted (TG; older notation c.4098_4099delTG).
Protein change: p.Cys1366_Asp1367delinsTer.
Molecular consequence: nonsense.
Genome position (GRCh38, 1-based): chr11:108,287,704-108,287,705, TG deleted; deleting any 2 consecutive bases within chr11:108,287,702-108,287,705 gives the same sequence; the c. name uses the placement nearest the transcript's 3' end. VCF-style (leftmost placement, unchanged base first): chr11-108287701-CTG-C. GRCh37 (hg19) VCF-style: chr11-108158428-CTG-C.
Other names: p.Cys1366Ter; c.4098_4099delTG (NM_000051.3); c.4098_4099del, p.Cys1366_Asp1367delinsTer (NM_001351834.2).
Identifiers: ClinVar variation 229880 (VCV000229880.25), dbSNP rs876658248, ClinGen allele CA10579134.

ClinVar aggregate classification (germline): Pathogenic/Likely pathogenic. Review status: criteria provided, multiple submitters, no conflicts (2 of 4 stars). 9 submissions from 9 submitters: Pathogenic (7); Likely pathogenic (1). 1 of the submissions does not count toward it. Last evaluated 2026-01-25.

Conditions:
Inherited breast cancer and ovarian cancer.
Hereditary cancer-predisposing syndrome. Also called: Hereditary Cancer Syndrome; Neoplastic Syndromes, Hereditary; Tumor predisposition; Hereditary neoplastic syndrome. Identifiers: Orphanet 140162, MedGen C0027672, MeSH D009386, MONDO:0015356.
Familial cancer of breast. Also called: Hereditary breast cancer; hereditary breast carcinoma; BREAST CANCER, FAMILIAL. Identifiers: Orphanet 227535, MedGen C0346153, MONDO:0016419, OMIM 114480. Disease mechanism: loss of function.
Ataxia-telangiectasia syndrome (AT). Also called: Ataxia telangiectasia (A-T); Ataxia-telangiectasia, complementation group E; LOUIS-BAR SYNDROME; Cerebello-oculocutaneous telangiectasia; Immunodeficiency with ataxia telangiectasia; Ataxia-telangiectasia, complementation group D. Identifiers: Orphanet 100, MedGen C0004135, MONDO:0008840, OMIM 208900.

Submissions (9):

Labcorp Genetics (formerly Invitae), Labcorp
Classification: Pathogenic for Ataxia-telangiectasia syndrome. Last evaluated: 2026-01-25. Review status: criteria provided, single submitter. Criteria: Invitae Variant Classification Sherloc (09022015). Collection method: clinical testing. Allele origin: germline.
Comment: This sequence change creates a premature translational stop signal (p.Cys1366*) in the ATM gene. It is expected to result in an absent or disrupted protein product. Loss-of-function variants in ATM are known to be pathogenic (PMID: 23807571, 25614872). This variant is not present in population databases (gnomAD no frequency). This variant has not been reported in the literature in individuals affected with ATM-related conditions. ClinVar contains an entry for this variant (Variation ID: 229880). For these reasons, this variant has been classified as Pathogenic.

Ambry Genetics
Classification: Pathogenic for Hereditary cancer-predisposing syndrome. Last evaluated: 2025-08-21. Review status: criteria provided, single submitter. Criteria: Ambry Variant Classification Scheme 2023. Collection method: clinical testing. Allele origin: germline.
Comment: The c.4098_4099delTG pathogenic mutation, located in coding exon 26 of the ATM gene, results from a deletion of two nucleotides at nucleotide positions 4098 to 4099, causing a translational frameshift with a predicted alternate stop codon (p.C1366*). This variant is considered to be rare based on population cohorts in the Genome Aggregation Database (gnomAD). This alteration is expected to result in loss of function by premature protein truncation or nonsense-mediated mRNA decay. As such, this alteration is interpreted as a disease-causing mutation.

Genomics and Molecular Medicine Service, East Genomic Laboratory Hub, NHS Genomic Medicine Service
Classification: Pathogenic for Inherited breast cancer and ovarian cancer. Last evaluated: 2024-06-14. Review status: criteria provided, single submitter. Criteria: ACGS Best Practice Guidelines for Variant Classification in Rare Disease 2020. Collection method: clinical testing. Allele origin: germline. Affected: yes.
Comment: PVS1,PM2_Supporting,PM5_Supporting

Myriad Genetics, Inc.
Classification: Pathogenic for Familial cancer of breast. Last evaluated: 2024-01-23. Review status: criteria provided, single submitter. Criteria: Myriad Autosomal Dominant, Autosomal Recessive and X-Linked Classification Criteria (2023). Collection method: clinical testing. Allele origin: unknown.
Comment: This variant is considered pathogenic. This variant creates a termination codon and is predicted to result in premature protein truncation.

Molecular Genetics and NGS Laboratory, Hospital Fundacion Valle Del Lili
Classification: Likely pathogenic for Familial cancer of breast. Last evaluated: 2024-01-15. Review status: criteria provided, single submitter. Criteria: ACMG Guidelines, 2015. Collection method: clinical testing. Allele origin: germline. Affected: yes. Observed: 1 variant allele.

Baylor Genetics
Classification: Pathogenic for Familial cancer of breast. Last evaluated: 2024-01-04. Review status: criteria provided, single submitter. Criteria: ACMG Guidelines, 2015. Collection method: clinical testing. Allele origin: unknown.

Institute of Medical Genetics and Applied Genomics, University Hospital Tübingen
Classification: Pathogenic. Last evaluated: 2020-10-23. Review status: criteria provided, single submitter. Criteria: ACMG Guidelines, 2015. Collection method: clinical testing. Allele origin: germline. Inheritance: Autosomal unknown. Affected: yes.

Color Diagnostics, LLC DBA Color Health
Classification: Pathogenic for Hereditary cancer-predisposing syndrome. Last evaluated: 2020-01-15. Review status: criteria provided, single submitter. Criteria: ACMG Guidelines, 2015. Collection method: clinical testing. Allele origin: germline.
Comment: This variant deletes 2 nucleotides in exon 27 of the ATM gene, creating a frameshift and premature translation stop signal. This variant is expected to result in an absent or non-functional protein product. This variant has not been identified in the general population by the Genome Aggregation Database (gnomAD). Loss of ATM function is a known mechanism of disease. Based on the available evidence, this variant is classified as Pathogenic.

Counsyl
Classification: Likely pathogenic for Ataxia-telangiectasia syndrome. Last evaluated: 2016-05-31. Review status: no assertion criteria provided. Collection method: clinical testing. Allele origin: unknown. Not counted in ClinVar's aggregate classification.

Literature cited by the submitters: PubMed 23807571 (cited by Labcorp Genetics (formerly Invitae), Labcorp); PubMed 25614872 (cited by Labcorp Genetics (formerly Invitae), Labcorp).